The following is an entry in ClinVar:

ClinVar aggregate classification (germline): Uncertain significance (1 of 4 stars; one submission).

Allele frequency attached by ClinVar (database versions not stated): gnomAD exomes 0.00001.
gnomAD v4.1: 8 of 1,211,737 alleles (0.00066%); highest among the groups gnomAD compares: South Asian, 0.0035%; no homozygotes.

Submission:

Labcorp Genetics (formerly Invitae), Labcorp
Classification: Uncertain significance. Last evaluated: 2024-05-29. Review status: criteria provided, single submitter. Criteria: Invitae Variant Classification Sherloc (09022015). Collection method: clinical testing. Allele origin: germline.
Comment: This sequence change replaces glycine, which is neutral and non-polar, with arginine, which is basic and polar, at codon 13 of the AMER1 protein (p.Gly13Arg). This variant is present in population databases (no rsID available, gnomAD 0.001%), including at least one homozygous and/or hemizygous individual. This variant has not been reported in the literature in individuals affected with AMER1-related conditions. Algorithms developed to predict the effect of missense changes on protein structure and function output the following: SIFT: "Not Available"; PolyPhen-2: "Benign"; Align-GVGD: "Not Available". The arginine amino acid residue is found in multiple mammalian species, which suggests that this missense change does not adversely affect protein function. In summary, the available evidence is currently insufficient to determine the role of this variant in disease. Therefore, it has been classified as a Variant of Uncertain Significance.

NM_152424.4(AMER1):c.37G>A (p.Gly13Arg)

Gene: AMER1 (APC membrane recruitment protein 1; minus strand). Cytogenetic location: Xq11.2.
Variant type: single nucleotide variant.
Coding change: c.37G>A on transcript NM_152424.4 (MANE Select); coding-DNA position 37, G replaced by A.
Protein change: p.Gly13Arg; replaces glycine 13 with arginine.
Molecular consequence: missense variant.
Genome position (GRCh38, 1-based): chrX:64,193,250, C>T on the plus strand (G>A on the coding strand, the complement: AMER1 is on the minus strand). VCF-style: chrX-64193250-C-T. GRCh37 (hg19) VCF-style: chrX-63413130-C-T.
Other names: short protein forms G13R.
Identifiers: ClinVar variation 3000934 (VCV003000934.3), dbSNP rs1180225605, ClinGen allele CA413313962.